The following is an entry in ClinVar:

ClinVar aggregate classification (germline): Likely benign (0 of 4 stars; one submission).

Conditions:
KSR2-related disorder. Also called: KSR2-related condition.

gnomAD v4.1: 1 of 1,613,296 alleles (0.000062%); no homozygotes.

Submission:

PreventionGenetics, part of Exact Sciences
Classification: Likely benign for KSR2-related condition. Last evaluated: 2024-09-03. Review status: no assertion criteria provided. Collection method: clinical testing. Allele origin: germline.
Comment: This variant is classified as likely benign based on ACMG/AMP sequence variant interpretation guidelines (Richards et al. 2015 PMID: 25741868, with internal and published modifications).

NM_173598.6(KSR2):c.1176A>G (p.Thr392=)

Gene: KSR2 (kinase suppressor of ras 2; minus strand). Cytogenetic location: 12q24.22.
Variant type: single nucleotide variant.
Coding change: c.1176A>G on transcript NM_173598.6 (MANE Select); coding-DNA position 1176, A replaced by G.
Protein change: p.Thr392=; no amino-acid change (threonine 392 retained).
Molecular consequence: synonymous variant.
Genome position (GRCh38, 1-based): chr12:117,582,355, T>C on the plus strand (A>G on the coding strand, the complement: KSR2 is on the minus strand). VCF-style: chr12-117582355-T-C. GRCh37 (hg19) VCF-style: chr12-118020160-T-C.
Identifiers: ClinVar variation 3347022 (VCV003347022.1).